The following is an entry in ClinVar:

ClinVar aggregate classification (germline): Likely benign (0 of 4 stars; one submission).

Conditions:
SH3BP2-related disorder. Also called: SH3BP2-related condition.

gnomAD v4.1: 2 of 1,604,404 alleles (0.00012%); highest among the groups gnomAD compares: Non-Finnish European, 0.00017%; no homozygotes.

Submission:

PreventionGenetics, part of Exact Sciences
Classification: Likely benign for SH3BP2-related condition. Last evaluated: 2019-06-12. Review status: no assertion criteria provided. Collection method: clinical testing. Allele origin: germline.
Comment: This variant is classified as likely benign based on ACMG/AMP sequence variant interpretation guidelines (Richards et al. 2015 PMID: 25741868, with internal and published modifications).

NM_001122681.2(SH3BP2):c.240-7C>G

Gene: SH3BP2 (SH3 domain binding protein 2; plus strand). Cytogenetic location: 4p16.3.
Variant type: single nucleotide variant.
Coding change: c.240-7C>G on transcript NM_001122681.2 (MANE Select); 7 bases into the intron before coding-DNA position 240, C replaced by G.
Molecular consequence: intron variant.
Genome position (GRCh38, 1-based): chr4:2,824,606, C>G. VCF-style: chr4-2824606-C-G. GRCh37 (hg19) VCF-style: chr4-2826333-C-G.
Other names: c.324-7C>G (NM_001145855.2); c.411-7C>G (NM_001145856.2); c.240-7C>G (NM_003023.4).
Identifiers: ClinVar variation 3034417 (VCV003034417.2), dbSNP rs1447351005, ClinGen allele CA549288686.